The following is an entry in ClinVar:

NM_014694.4(ADAMTSL2):c.1496A>G (p.Tyr499Cys)

Gene: ADAMTSL2 (ADAMTS like 2; plus strand). Cytogenetic location: 9q34.2.
Variant type: single nucleotide variant.
Coding change: c.1496A>G on transcript NM_014694.4 (MANE Select); coding-DNA position 1496, A replaced by G.
Protein change: p.Tyr499Cys; replaces tyrosine 499 with cysteine.
Molecular consequence: missense variant.
Genome position (GRCh38, 1-based): chr9:133,555,777, A>G. VCF-style: chr9-133555777-A-G. GRCh37 (hg19) VCF-style: chr9-136420899-A-G.
Other names: c.1496A>G, p.Tyr499Cys (NM_001145320.2); short protein forms Y499C.
Identifiers: ClinVar variation 4850914 (VCV004850914.1).

ClinVar aggregate classification (germline): VUS-mid (1 of 4 stars; one submission).

Conditions:
Geleophysic dysplasia 1 (GPHYSD1). Also called: Geleophysic dwarfism. Identifiers: Orphanet 2623, MedGen C3278147, MONDO:0009269, OMIM 231050.

gnomAD v4.1: 1 of 1,614,014 alleles (0.000062%); highest among the groups gnomAD compares: Non-Finnish European, 0.000085%; no homozygotes.

Submission:

Clinical Genetics and Genomics, Karolinska University Hospital
Classification: VUS-mid for Geleophysic dysplasia 1. Last evaluated: 2026-04-07. Review status: criteria provided, single submitter. Criteria: ACMG Guidelines, 2015. Collection method: clinical testing. Allele origin: germline. Affected: yes.
Comment: The variant is absent or in very low frequency in gnomAD (PM2). It was seen in compound heterozygous state with a likely pathogenic variant (c.475C>T).